The following is an entry in ClinVar:

ClinVar aggregate classification (germline): Uncertain significance. Review status: criteria provided, multiple submitters, no conflicts (2 of 4 stars). 2 submissions from 2 submitters: Uncertain significance (2). Last evaluated 2024-10-07.

Conditions:
Dilated cardiomyopathy 1KK (CMD1KK). Identifiers: Orphanet 154, Orphanet 75249, MedGen C3714995, MONDO:0014100, OMIM 615248.
Cardiovascular phenotype. Identifiers: MedGen CN230736.

Submissions (2):

Ambry Genetics
Classification: Uncertain significance for Cardiovascular phenotype. Last evaluated: 2024-10-07. Review status: criteria provided, single submitter. Criteria: Ambry Variant Classification Scheme 2023. Collection method: clinical testing. Allele origin: germline.
Comment: The p.V1173A variant (also known as c.3518T>C), located in coding exon 17 of the MYPN gene, results from a T to C substitution at nucleotide position 3518. The valine at codon 1173 is replaced by alanine, an amino acid with similar properties. This amino acid position is conserved. In addition, this alteration is predicted to be tolerated by in silico analysis. Based on the available evidence, the clinical significance of this variant remains unclear.

Labcorp Genetics (formerly Invitae), Labcorp
Classification: Uncertain significance for Dilated cardiomyopathy 1KK. Last evaluated: 2018-12-07. Review status: criteria provided, single submitter. Criteria: Invitae Variant Classification Sherloc (09022015). Collection method: clinical testing. Allele origin: germline.
Comment: In summary, the available evidence is currently insufficient to determine the role of this variant in disease. Therefore, it has been classified as a Variant of Uncertain Significance. Algorithms developed to predict the effect of missense changes on protein structure and function (SIFT, PolyPhen-2, Align-GVGD) all suggest that this variant is likely to be tolerated, but these predictions have not been confirmed by published functional studies and their clinical significance is uncertain. This variant has not been reported in the literature in individuals with MYPN-related conditions. This variant is not present in population databases (ExAC no frequency). This sequence change replaces valine with alanine at codon 1173 of the MYPN protein (p.Val1173Ala). The valine residue is moderately conserved and there is a small physicochemical difference between valine and alanine.

NM_032578.4(MYPN):c.3518T>C (p.Val1173Ala)

Gene: MYPN (myopalladin; plus strand). Cytogenetic location: 10q21.3.
Variant type: single nucleotide variant.
Coding change: c.3518T>C on transcript NM_032578.4 (MANE Select); coding-DNA position 3518, T replaced by C.
Protein change: p.Val1173Ala; replaces valine 1173 with alanine.
Molecular consequence: missense variant. On other transcripts: non-coding transcript variant (2).
Genome position (GRCh38, 1-based): chr10:68,201,853, T>C. VCF-style: chr10-68201853-T-C. GRCh37 (hg19) VCF-style: chr10-69961610-T-C.
Other names: c.3518T>C, p.Val1173Ala (NM_001256267.2); c.2636T>C, p.Val879Ala (NM_001256268.2); c.3518T>C (NM_032578.2); short protein forms V1173A, V879A.
Identifiers: ClinVar variation 641734 (VCV000641734.9), dbSNP rs781710211, ClinGen allele CA376859903.